The following is an entry in ClinVar:

ClinVar aggregate classification (germline): Uncertain significance. Review status: criteria provided, multiple submitters, no conflicts (2 of 4 stars). 2 submissions from 2 submitters: Uncertain significance (2). Last evaluated 2026-09-18.

Conditions:
Familial focal epilepsy with variable foci (FPEVF). Identifiers: Orphanet 98820, MedGen C1858477, MONDO:0020310.

Submissions (2):

GeneDx
Classification: Uncertain significance. Last evaluated: 2026-09-18. Review status: criteria provided, single submitter. Criteria: GeneDx Variant Classification Process June 2021. Collection method: clinical testing. Allele origin: germline.
Comment: Not observed at significant frequency in large population cohorts (gnomAD); In silico analysis supports that this missense variant does not alter protein structure/function; Has not been previously published as pathogenic or benign to our knowledge

Labcorp Genetics (formerly Invitae), Labcorp
Classification: Uncertain significance for Familial focal epilepsy with variable foci. Last evaluated: 2023-11-25. Review status: criteria provided, single submitter. Criteria: Invitae Variant Classification Sherloc (09022015). Collection method: clinical testing. Allele origin: germline.
Comment: This sequence change replaces serine, which is neutral and polar, with asparagine, which is neutral and polar, at codon 157 of the DEPDC5 protein (p.Ser157Asn). This variant is not present in population databases (gnomAD no frequency). This variant has not been reported in the literature in individuals affected with DEPDC5-related conditions. Experimental studies and prediction algorithms are not available or were not evaluated, and the functional significance of this variant is currently unknown. In summary, the available evidence is currently insufficient to determine the role of this variant in disease. Therefore, it has been classified as a Variant of Uncertain Significance.

NM_001242896.3(DEPDC5):c.470G>A (p.Ser157Asn)

Gene: DEPDC5 (DEP domain containing 5, GATOR1 subcomplex subunit; plus strand). Cytogenetic location: 22q12.2.
Variant type: single nucleotide variant.
Coding change: c.470G>A on transcript NM_001242896.3 (MANE Select); coding-DNA position 470, G replaced by A.
Protein change: p.Ser157Asn; replaces serine 157 with asparagine.
Molecular consequence: missense variant. On other transcripts: non-coding transcript variant (5).
Genome position (GRCh38, 1-based): chr22:31,778,155, G>A. VCF-style: chr22-31778155-G-A. GRCh37 (hg19) VCF-style: chr22-32174141-G-A.
Other names: c.470G>A, p.Ser157Asn (NM_001136029.4, NM_001242897.2, NM_001363852.2 and 7 more transcripts); c.386G>A, p.Ser129Asn (NM_001369901.1, NM_001369902.1); c.470G>A (NM_001242896.1); short protein forms S157N, S129N.
Identifiers: ClinVar variation 2739879 (VCV002739879.5), dbSNP rs2084069004, ClinGen allele CA411284527.